The following is an entry in ClinVar:

ClinVar aggregate classification (germline): Likely benign. Review status: criteria provided, multiple submitters, no conflicts (2 of 4 stars). 2 submissions from 2 submitters: Likely benign (2). Last evaluated 2025-05-22.

Conditions:
Tuberous sclerosis 2 (TSC2). Identifiers: Orphanet 805, MedGen C1860707, MONDO:0013199, OMIM 613254.

Allele frequency attached by ClinVar (database versions not stated): gnomAD exomes below 0.00001.
gnomAD v4.1: 1 of 1,613,254 alleles (0.000062%); highest among the groups gnomAD compares: South Asian, 0.0011%; no homozygotes.

Submissions (2):

Myriad Genetics, Inc.
Classification: Likely benign for Tuberous sclerosis 2. Last evaluated: 2025-05-22. Review status: criteria provided, single submitter. Criteria: Myriad Autosomal Dominant, Autosomal Recessive and X-Linked Classification Criteria (2023). Collection method: clinical testing. Allele origin: unknown.
Comment: This variant is considered likely benign. This variant is intronic and is not expected to impact mRNA splicing.

Labcorp Genetics (formerly Invitae), Labcorp
Classification: Likely benign for Tuberous sclerosis 2. Last evaluated: 2022-06-16. Review status: criteria provided, single submitter. Criteria: Invitae Variant Classification Sherloc (09022015). Collection method: clinical testing. Allele origin: germline.

NM_000548.5(TSC2):c.2743-8T>C

Gene: TSC2 (TSC complex subunit 2; plus strand). Cytogenetic location: 16p13.3.
Variant type: single nucleotide variant.
Coding change: c.2743-8T>C on transcript NM_000548.5 (MANE Select); 8 bases into the intron before coding-DNA position 2743, T replaced by C.
Molecular consequence: intron variant.
Genome position (GRCh38, 1-based): chr16:2,076,483, T>C. VCF-style: chr16-2076483-T-C. GRCh37 (hg19) VCF-style: chr16-2126484-T-C.
Other names: c.2743-8T>C (NM_001114382.3, NM_021055.3, NM_001370405.1 and 3 more transcripts); c.2632-8T>C (NM_001318827.2); c.2143-8T>C (NM_001318831.2); c.2596-8T>C (NM_001318829.2); c.2776-8T>C (NM_001318832.2).
Identifiers: ClinVar variation 2007473 (VCV002007473.5), dbSNP rs2543927839, ClinGen allele CA2580090874.